The following is an entry in ClinVar:

NM_000034.3:c.195_197del

Gene: ALDOA (aldolase, fructose-bisphosphate A; plus strand).
Variant type: Deletion.
Other names: p.Ala66del.
Identifiers: ClinVar variation 4542022 (VCV004542022.1).

ClinVar aggregate classification (germline): Uncertain significance (1 of 4 stars; one submission).

Submission:

Mayo Clinic Laboratories, Mayo Clinic
Classification: Uncertain significance. Last evaluated: 2025-05-12. Review status: criteria provided, single submitter. Criteria: ACMG Guidelines, 2015. Collection method: clinical testing. Allele origin: germline. Observed: 1 variant allele.
Comment: PM2_supporting, PM4